The following is an entry in ClinVar:

ClinVar aggregate classification (germline): Uncertain significance (1 of 4 stars; one submission).

Conditions:
Zellweger spectrum disorders (ZS). Also called: Zellweger Spectrum Disorder; Zellweger Spectrum; Zellweger Spectrum Disorder (ZSD); Zellweger syndrome. Identifiers: Orphanet 912, MedGen C0043459, MONDO:0019609.

Allele frequency attached by ClinVar (database versions not stated): gnomAD exomes below 0.00001 and 0.00001; ExAC 0.00001.
gnomAD v4.1: 3 of 1,613,666 alleles (0.00019%); highest among the groups gnomAD compares: Non-Finnish European, 0.00025%; no homozygotes.

Submission:

Labcorp Genetics (formerly Invitae), Labcorp
Classification: Uncertain significance for Zellweger spectrum disorders. Last evaluated: 2025-08-21. Review status: criteria provided, single submitter. Criteria: Invitae Variant Classification Sherloc (09022015). Collection method: clinical testing. Allele origin: germline.
Comment: This sequence change replaces valine, which is neutral and non-polar, with glutamic acid, which is acidic and polar, at codon 971 of the PEX1 protein (p.Val971Glu). This variant is present in population databases (rs745667444, gnomAD 0.0009%). This variant has not been reported in the literature in individuals affected with PEX1-related conditions. ClinVar contains an entry for this variant (Variation ID: 1501754). Invitae Evidence Modeling of protein sequence and biophysical properties (such as structural, functional, and spatial information, amino acid conservation, physicochemical variation, residue mobility, and thermodynamic stability) indicates that this missense variant is expected to disrupt PEX1 protein function with a positive predictive value of 95%. In summary, the available evidence is currently insufficient to determine the role of this variant in disease. Therefore, it has been classified as a Variant of Uncertain Significance.

NM_000466.3(PEX1):c.2912T>A (p.Val971Glu)

Genes: GATAD1 (GATA zinc finger domain containing 1; plus strand), PEX1 (peroxisomal biogenesis factor 1; minus strand). Cytogenetic location: 7q21.2.
Variant type: single nucleotide variant.
Coding change: c.2912T>A on transcript NM_000466.3 (MANE Select); coding-DNA position 2912, T replaced by A.
Protein change: p.Val971Glu; replaces valine 971 with glutamic acid.
Molecular consequence: missense variant.
Genome position (GRCh38, 1-based): chr7:92,494,501, A>T on the plus strand (T>A on the coding strand, the complement: PEX1 is on the minus strand). VCF-style: chr7-92494501-A-T. GRCh37 (hg19) VCF-style: chr7-92123815-A-T.
Other names: c.2741T>A, p.Val914Glu (NM_001282677.2); c.2288T>A, p.Val763Glu (NM_001282678.2); short protein forms V914E, V763E, V971E.
Identifiers: ClinVar variation 1501754 (VCV001501754.6), dbSNP rs745667444, ClinGen allele CA4340981.
Genomic context (GRCh38, chr7:92,494,501, plus strand): 5'-ATGACATTTTGTTATAACATTCTATTTCTGTATTTATAATTATTACCCTGTAAGCCTTCT[A>T]CTCCATCCAACTGAGTCAGCAACTGGTTAACTACTCGGTCTGTAACTCCTGTATTATCAT-3'
Protein context (NP_000457.1, residues 961-981): VNQLLTQLDG[Val971Glu]EGLQGVYVLA